The following is an entry in ClinVar:

NM_005334.3(HCFC1):c.4497+4A>G

Genes: HCFC1 (host cell factor C1; minus strand), LOC130068842 (ATAC-STARR-seq lymphoblastoid active region 30044; plus strand). Cytogenetic location: Xq28.
Variant type: single nucleotide variant.
Coding change: c.4497+4A>G on transcript NM_005334.3 (MANE Select); 4 bases into the intron after coding-DNA position 4497, A replaced by G.
Molecular consequence: intron variant.
Genome position (GRCh38, 1-based): chrX:153,953,603, T>C on the plus strand (A>G on the coding strand, the complement: HCFC1 is on the minus strand). VCF-style: chrX-153953603-T-C. GRCh37 (hg19) VCF-style: chrX-153219054-T-C.
Other names: c.4497+4A>G (NM_005334.2).
Identifiers: ClinVar variation 807850 (VCV000807850.48), dbSNP rs782206577, ClinGen allele CA10556981.
Genomic context (GRCh38, chrX:153,953,603, plus strand): 5'-AGTGTGGAACTGCACGGGCGTAGGCCGGGAAGGCGGGGAAGAACACGGCCCCCTGGGCTC[T>C]TACCGGCACAGAGGGGCCCGGGACCGGTGTGGACTGCGTCACGGTGGTCACAGCCCGCGT-3'

ClinVar aggregate classification (germline): Benign/Likely benign. Review status: criteria provided, multiple submitters, no conflicts (2 of 4 stars). 3 submissions from 3 submitters: Benign (1); Likely benign (2). Last evaluated 2024-12-01.

Conditions:
Methylmalonic acidemia with homocystinuria, type cblX (MAHCX). Also called: INTELLECTUAL DEVELOPMENTAL DISORDER, X-LINKED 3. Identifiers: Orphanet 369962, MedGen C0796208, MONDO:0010657, OMIM 309541.
Inborn genetic diseases. Identifiers: MedGen C0950123, MeSH D030342.

Allele frequency attached by ClinVar (database versions not stated): gnomAD 0.00002 and 0.00003; TOPMed 0.00003; ExAC 0.00004; gnomAD exomes 0.00004 and 0.00005.
gnomAD v4.1: 43 of 1,204,613 alleles (0.0036%); highest among the groups gnomAD compares: South Asian, 0.028%; 1 homozygote.

Submissions (3):

CeGaT Center for Human Genetics Tuebingen
Classification: Likely benign. Last evaluated: 2024-12-01. Review status: criteria provided, single submitter. Criteria: CeGaT Center For Human Genetics Tuebingen Variant Classification Criteria Version 2. Collection method: clinical testing. Allele origin: germline. Affected: yes. Observed: 3 variant alleles.
Comment: HCFC1: BP4, BS2

Ambry Genetics
Classification: Likely benign for Inborn genetic diseases. Last evaluated: 2024-06-24. Review status: criteria provided, single submitter. Criteria: Ambry Variant Classification Scheme 2023. Collection method: clinical testing. Allele origin: germline.

Labcorp Genetics (formerly Invitae), Labcorp
Classification: Benign for Methylmalonic acidemia with homocystinuria, type cblX. Last evaluated: 2024-02-14. Review status: criteria provided, single submitter. Criteria: Invitae Variant Classification Sherloc (09022015). Collection method: clinical testing. Allele origin: germline.